The following is an entry in ClinVar:

ClinVar aggregate classification (germline): Uncertain significance (1 of 4 stars; one submission).

gnomAD v4.1: 1 of 1,613,940 alleles (0.000062%); no homozygotes.

Submission:

Labcorp Genetics (formerly Invitae), Labcorp
Classification: Uncertain significance. Last evaluated: 2021-02-03. Review status: criteria provided, single submitter. Criteria: Invitae Variant Classification Sherloc (09022015). Collection method: clinical testing. Allele origin: germline.
Comment: This variant has not been reported in the literature in individuals with TGFB1-related conditions. This variant is not present in population databases (ExAC no frequency). This sequence change replaces glutamine with arginine at codon 335 of the TGFB1 protein (p.Gln335Arg). The glutamine residue is moderately conserved and there is a small physicochemical difference between glutamine and arginine. In summary, the available evidence is currently insufficient to determine the role of this variant in disease. Therefore, it has been classified as a Variant of Uncertain Significance. Algorithms developed to predict the effect of missense changes on protein structure and function are either unavailable or do not agree on the potential impact of this missense change (SIFT: "Tolerated"; PolyPhen-2: "Possibly Damaging"; Align-GVGD: "Class C0").

NM_000660.7(TGFB1):c.1004A>G (p.Gln335Arg)

Gene: TGFB1 (transforming growth factor beta 1; minus strand). Cytogenetic location: 19q13.2.
Variant type: single nucleotide variant.
Coding change: c.1004A>G on transcript NM_000660.7 (MANE Select); coding-DNA position 1004, A replaced by G.
Protein change: p.Gln335Arg; replaces glutamine 335 with arginine.
Molecular consequence: missense variant.
Genome position (GRCh38, 1-based): chr19:41,332,138, T>C on the plus strand (A>G on the coding strand, the complement: TGFB1 is on the minus strand). VCF-style: chr19-41332138-T-C. GRCh37 (hg19) VCF-style: chr19-41838043-T-C.
Other names: short protein forms Q335R.
Identifiers: ClinVar variation 1383129 (VCV001383129.8), dbSNP rs2123080065, ClinGen allele CA405998256.
Genomic context (GRCh38, chr19:41,332,138, plus strand): 5'-CGTCCTGGCTCCCCCCAAGCGCATCTCGTAGCCCGGTGGGCCAGACGTACCTTGCTGTAC[T>C]GCGTGTCCAGGCTCCAAATGTAGGGGCAGGGCCCGAGGCAGAAGTTGGCATGGTAGCCCT-3'
Protein context (NP_000651.3, residues 325-345): PCPYIWSLDT[Gln335Arg]YSKVLALYNQ